The following is an entry in ClinVar:

NM_005026.5(PIK3CD):c.678A>G (p.Thr226=)

Gene: PIK3CD (phosphatidylinositol-4,5-bisphosphate 3-kinase catalytic subunit delta; plus strand). Cytogenetic location: 1p36.22.
Variant type: single nucleotide variant.
Coding change: c.678A>G on transcript NM_005026.5 (MANE Select); coding-DNA position 678, A replaced by G.
Protein change: p.Thr226=; no amino-acid change (threonine 226 retained).
Molecular consequence: synonymous variant.
Genome position (GRCh38, 1-based): chr1:9,716,517, A>G. VCF-style: chr1-9716517-A-G. GRCh37 (hg19) VCF-style: chr1-9776575-A-G.
Other names: p.Thr226=; NM_005026.5(PIK3CD):c.678A>G; c.678A>G (LRG_191t1); c.678A>G, p.Thr226= (NM_001350234.2, NM_001350235.1).
Identifiers: ClinVar variation 474033 (VCV000474033.13), dbSNP rs2230735, ClinGen allele CA576950.

ClinVar aggregate classification (germline): Benign. Review status: reviewed by expert panel (3 of 4 stars). 5 submissions from 5 submitters: Benign (1). 4 of the submissions do not count toward it. Last evaluated 2025-12-19.

Conditions:
Immunodeficiency 14 (IMD14A). Also called: IMMUNODEFICIENCY 14A WITH LYMPHOPROLIFERATION, AUTOSOMAL DOMINANT; ACTIVATED PI3K-DELTA SYNDROME 1; p110-DELTA-ACTIVATING MUTATION CAUSING SENESCENT T CELLS, LYMPHADENOPATHY, AND IMMUNODEFICIENCY; Activated PI3K Delta Syndrome Type 1 (APDS1). Identifiers: Orphanet 397596, Orphanet 693661, MedGen C5907821, MONDO:0014222, OMIM 615513.

Allele frequency attached by ClinVar (database versions not stated): ESP Exome Variant Server 0.03629; gnomAD 0.03898 and 0.03707; TOPMed 0.03997; ExAC 0.02092; gnomAD exomes 0.00731 and 0.01820; 1000 Genomes Project 0.04213; 1000 Genomes Project 30x 0.04263.
gnomAD v4.1: 16,578 of 1,610,348 alleles (1%); highest among the groups gnomAD compares: African/African-American, 11%; 574 homozygotes.

Submissions (5):

ClinGen Primary Immune Regulatory Disorders Variant Curation Expert Panel, ClinGen
Classification: Benign for Immunodeficiency 14. Last evaluated: 2025-12-19. Review status: reviewed by expert panel. Criteria: ClinGen AbDef ACMG Specifications PIK3CD V1.0.0. Collection method: curation. Allele origin: germline. Inheritance: Autosomal dominant inheritance.
Comment: NM_005026.5(PIK3CD):c.678A>G (p.Thr226=) is a synonymous variant in exon 6 with no predicted impact on PIK3CD splicing (BP7). The splicing predictor SpliceAI gives a delta score of 0.01 for donor gain, which is below the ClinGen Antibody Deficiencies VCEP threshold of <0.1 and does not predict an impact on PIK3CD splicing (BP4). This variant is present in gnomAD v4.1.0 at a GrpMax allele frequency of 0.1072, with 8,182 alleles / 74,956 total alleles in the African / African-American population, which is higher than the ClinGen Antibody Deficiencies VCEP BA1 threshold of >0.00316 (BA1). A base editing screen introducing this variant into primary T cells using 2 separate guide RNAs showed log2 enrichment scores of either 0.68617 or -0.83625 in the high-phospho-AKT / high-phospho-S6 fraction of cells relative to the low-phospho-AKT / low-phospho-S6 fraction of cells, with two-sided p-values of either 0.23579 or 0.35256, indicating no significant disruption of the PI3K pathway. Because this variant was considered an internal benign control for the assay, BS3_Supporting was not evaluated (PMID: 40543502). In summary, this variant meets the criteria to be classified as benign for autosomal dominant immunodeficiency 14 based on the ACMG/AMP criteria applied, as specified by the ClinGen Antibody Deficiencies VCEP: BA1, BP4, and BP7. (VCEP specifications version 1.0.0).

Labcorp Genetics (formerly Invitae), Labcorp
Classification: Benign for Activated PI3K-delta syndrome. Last evaluated: 2026-02-02. Review status: criteria provided, single submitter. Criteria: Invitae Variant Classification Sherloc (09022015). Collection method: clinical testing. Allele origin: germline. Not counted in ClinVar's aggregate classification.

Women's Health and Genetics/Laboratory Corporation of America, LabCorp
Classification: Benign. Last evaluated: 2026-01-21. Review status: criteria provided, single submitter. Criteria: LabCorp Variant Classification Summary - May 2015. Collection method: clinical testing. Allele origin: germline. Not counted in ClinVar's aggregate classification.

Mayo Clinic Laboratories, Mayo Clinic
Classification: Benign. Last evaluated: 2019-09-10. Review status: criteria provided, single submitter. Criteria: ACMG Guidelines, 2015. Collection method: clinical testing. Allele origin: germline. Observed: 41 variant alleles. Not counted in ClinVar's aggregate classification.

Breakthrough Genomics
Classification: Benign. Review status: criteria provided, single submitter. Criteria: ACMG Guidelines, 2015. Collection method: not provided. Allele origin: germline. Inheritance: Autosomal recessive inheritance. Affected: yes. Not counted in ClinVar's aggregate classification.